The following is an entry in ClinVar:

ClinVar aggregate classification (germline): Uncertain significance (1 of 4 stars; one submission).

Submission:

CeGaT Center for Human Genetics Tuebingen
Classification: Uncertain significance. Last evaluated: 2026-09-01. Review status: criteria provided, single submitter. Criteria: CeGaT Center For Human Genetics Tuebingen Variant Classification Criteria Version 2. Collection method: clinical testing. Allele origin: germline. Affected: yes. Observed: 1 variant allele.
Comment: WDR44: PM2:Supporting, BP4

NM_019045.5(WDR44):c.765A>G (p.Pro255=)

Gene: WDR44 (WD repeat domain 44; plus strand). Cytogenetic location: Xq24.
Variant type: single nucleotide variant.
Coding change: c.765A>G on transcript NM_019045.5 (MANE Select); coding-DNA position 765, A replaced by G.
Protein change: p.Pro255=; no amino-acid change (proline 255 retained).
Molecular consequence: synonymous variant.
Genome position (GRCh38, 1-based): chrX:118,393,210, A>G. VCF-style: chrX-118393210-A-G. GRCh37 (hg19) VCF-style: chrX-117527173-A-G.
Other names: c.765A>G, p.Pro255= (NM_001184965.2); c.690A>G, p.Pro230= (NM_001184966.1).
Identifiers: ClinVar variation 5041760 (VCV005041760.1).
Genomic context (GRCh38, chrX:118,393,210, plus strand): 5'-CCCACCTCCTCCAACTAATTTCCCACCTCCTAGACCCCCACCTCCTTCTCGACCTGCTCC[A>G]CCACCAAGAAAAAGGAAAAGCGAATTGGAATTTGAGACTCTGAAAACTCCTGATATAGAT-3'
Protein context (NP_061918.3, residues 245-265): PRPPPPSRPA[Pro255=]PPRKRKSELE